The following is an entry in ClinVar:

NM_001330723.2(SNX27):c.1145A>T (p.His382Leu)

Gene: SNX27 (sorting nexin 27; plus strand). Cytogenetic location: 1q21.3.
Variant type: single nucleotide variant.
Coding change: c.1145A>T on transcript NM_001330723.2 (MANE Select); coding-DNA position 1145, A replaced by T.
Protein change: p.His382Leu; replaces histidine 382 with leucine.
Molecular consequence: missense variant.
Genome position (GRCh38, 1-based): chr1:151,668,631, A>T. VCF-style: chr1-151668631-A-T. GRCh37 (hg19) VCF-style: chr1-151641107-A-T.
Other names: c.1145A>T, p.His382Leu (NM_030918.6); short protein forms H382L.
Identifiers: ClinVar variation 2170018 (VCV002170018.1), dbSNP rs750946537, ClinGen allele CA1093584.

ClinVar aggregate classification (germline): Uncertain significance (1 of 4 stars; one submission).

Conditions:
Severe myoclonic epilepsy in infancy (DRVT). Also called: DEVELOPMENTAL AND EPILEPTIC ENCEPHALOPATHY 6A; Severe Myoclonic Epilepsy in Infancy (SMEI); Dravet syndrome; SEVERE MYOCLONIC EPILEPSY OF INFANCY; Epileptic encephalopathy, early infantile, 6 (Dravet syndrome). Identifiers: Orphanet 33069, MedGen C0751122, MONDO:0100135, OMIM 607208.

Allele frequency attached by ClinVar (database versions not stated): ExAC 0.00001; TOPMed 0.00002.
gnomAD v4.1: 4 of 1,611,384 alleles (0.00025%); highest among the groups gnomAD compares: Admixed American, 0.0017%; no homozygotes.

Submission:

Labcorp Genetics (formerly Invitae), Labcorp
Classification: Uncertain significance for Severe myoclonic epilepsy in infancy. Last evaluated: 2022-05-09. Review status: criteria provided, single submitter. Criteria: Invitae Variant Classification Sherloc (09022015). Collection method: clinical testing. Allele origin: germline.
Comment: This sequence change replaces histidine, which is basic and polar, with leucine, which is neutral and non-polar, at codon 382 of the SNX27 protein (p.His382Leu). This variant is present in population databases (rs750946537, gnomAD 0.003%). This variant has not been reported in the literature in individuals affected with SNX27-related conditions. Algorithms developed to predict the effect of missense changes on protein structure and function are either unavailable or do not agree on the potential impact of this missense change (SIFT: "Deleterious"; PolyPhen-2: "Benign"; Align-GVGD: "Class C65"). In summary, the available evidence is currently insufficient to determine the role of this variant in disease. Therefore, it has been classified as a Variant of Uncertain Significance.